The following is an entry in ClinVar:

NM_002430.3(MN1):c.3741del (p.Trp1248fs)

Gene: MN1 (MN1 proto-oncogene, transcriptional regulator; minus strand). Cytogenetic location: 22q12.1.
Variant type: Deletion.
Coding change: c.3741del on transcript NM_002430.3 (MANE Select); coding-DNA position 3741, one base deleted (C; older notation c.3741delC).
Protein change: p.Trp1248fs; shifts the reading frame from tryptophan 1248.
Molecular consequence: frameshift variant.
Genome position (GRCh38, 1-based): chr22:27,796,803, G deleted on the plus strand (C on the coding strand, the reverse complement: MN1 is on the minus strand); the first of 3 consecutive G bases (chr22:27,796,803-27,796,805); deleting any one gives the same sequence. VCF-style (leftmost placement, unchanged base first): chr22-27796802-AG-A. GRCh37 (hg19) VCF-style: chr22-28192790-AG-A.
Other names: short protein forms W1248fs.
Identifiers: ClinVar variation 4718034 (VCV004718034.1).

ClinVar aggregate classification (germline): Uncertain significance (1 of 4 stars; one submission).

Submission:

Labcorp Genetics (formerly Invitae), Labcorp
Classification: Uncertain significance. Last evaluated: 2025-04-21. Review status: criteria provided, single submitter. Criteria: Invitae Variant Classification Sherloc (09022015). Collection method: clinical testing. Allele origin: germline.
Comment: This sequence change creates a premature translational stop signal (p.Trp1248Glyfs*72) in the MN1 gene. While this is not anticipated to result in nonsense mediated decay, it is expected to disrupt the last 73 amino acid(s) of the MN1 protein. This variant is not present in population databases (gnomAD no frequency). This variant has not been reported in the literature in individuals affected with MN1-related conditions. In summary, the available evidence is currently insufficient to determine the role of this variant in disease. Therefore, it has been classified as a Variant of Uncertain Significance.